The following is an entry in ClinVar:

ClinVar aggregate classification (germline): Uncertain significance (1 of 4 stars; one submission).

Allele frequency attached by ClinVar (database versions not stated): gnomAD below 0.00001 and 0.00001; gnomAD exomes below 0.00001 and 0.00001.
gnomAD v4.1: 10 of 1,613,958 alleles (0.00062%); highest among the groups gnomAD compares: Middle Eastern, 0.017%; no homozygotes.

Submission:

Labcorp Genetics (formerly Invitae), Labcorp
Classification: Uncertain significance. Last evaluated: 2024-01-31. Review status: criteria provided, single submitter. Criteria: Invitae Variant Classification Sherloc (09022015). Collection method: clinical testing. Allele origin: germline.
Comment: This sequence change replaces glutamic acid, which is acidic and polar, with lysine, which is basic and polar, at codon 2303 of the CDH23 protein (p.Glu2303Lys). This variant is present in population databases (no rsID available, gnomAD 0.003%). This variant has not been reported in the literature in individuals affected with CDH23-related conditions. ClinVar contains an entry for this variant (Variation ID: 841258). Advanced modeling of protein sequence and biophysical properties (such as structural, functional, and spatial information, amino acid conservation, physicochemical variation, residue mobility, and thermodynamic stability) performed at Invitae indicates that this missense variant is not expected to disrupt CDH23 protein function with a negative predictive value of 95%. In summary, the available evidence is currently insufficient to determine the role of this variant in disease. Therefore, it has been classified as a Variant of Uncertain Significance.

NM_022124.6(CDH23):c.6907G>A (p.Glu2303Lys)

Gene: CDH23 (cadherin related 23; plus strand). Cytogenetic location: 10q22.1.
Variant type: single nucleotide variant.
Coding change: c.6907G>A on transcript NM_022124.6 (MANE Select); coding-DNA position 6907, G replaced by A.
Protein change: p.Glu2303Lys; replaces glutamic acid 2303 with lysine.
Molecular consequence: missense variant.
Genome position (GRCh38, 1-based): chr10:71,798,431, G>A. VCF-style: chr10-71798431-G-A. GRCh37 (hg19) VCF-style: chr10-73558188-G-A.
Other names: c.187G>A, p.Glu63Lys (NM_001171933.1, NM_001171934.1); short protein forms E63K, E2303K.
Identifiers: ClinVar variation 841258 (VCV000841258.8), dbSNP rs1193217226, ClinGen allele CA377157886.